The following is an entry in ClinVar:

ClinVar aggregate classification (germline): Uncertain significance (1 of 4 stars; one submission).

gnomAD v4.1: 65 of 1,611,110 alleles (0.004%); highest among the groups gnomAD compares: Non-Finnish European, 0.0046%; no homozygotes.

Submission:

GeneDx
Classification: Uncertain significance. Last evaluated: 2024-09-10. Review status: criteria provided, single submitter. Criteria: GeneDx Variant Classification Process June 2021. Collection method: clinical testing. Allele origin: germline. Affected: yes.
Comment: In silico analysis supports that this missense variant has a deleterious effect on protein structure/function; This variant is associated with the following publications: (PMID: 22383692)

NM_001009944.3(PKD1):c.9533G>T (p.Ser3178Ile)

Gene: PKD1 (polycystin 1, transient receptor potential channel interacting; minus strand). Cytogenetic location: 16p13.3.
Variant type: single nucleotide variant.
Coding change: c.9533G>T on transcript NM_001009944.3 (MANE Select); coding-DNA position 9533, G replaced by T.
Protein change: p.Ser3178Ile; replaces serine 3178 with isoleucine.
Molecular consequence: missense variant.
Genome position (GRCh38, 1-based): chr16:2,100,431, C>A on the plus strand (G>T on the coding strand, the complement: PKD1 is on the minus strand). VCF-style: chr16-2100431-C-A. GRCh37 (hg19) VCF-style: chr16-2150432-C-A.
Other names: c.9533G>T, p.Ser3178Ile (NM_000296.4); short protein forms S3178I.
Identifiers: ClinVar variation 3767431 (VCV003767431.1).